The following is an entry in ClinVar:

ClinVar aggregate classification (germline): Uncertain significance (1 of 4 stars; one submission).

Conditions:
Cardiovascular phenotype. Identifiers: MedGen CN230736.

gnomAD v4.1: 3 of 1,486,822 alleles (0.0002%); highest among the groups gnomAD compares: Non-Finnish European, 0.00018%; no homozygotes.

Submission:

Ambry Genetics
Classification: Uncertain significance for Cardiovascular phenotype. Last evaluated: 2021-10-04. Review status: criteria provided, single submitter. Criteria: Ambry Variant Classification Scheme 2023. Collection method: clinical testing. Allele origin: germline.
Comment: The c.-2G>T variant is located in the 5' untranslated region (5&rsquo; UTR) of the RBM20 gene. This variant results from a G to T substitution 2 bases upstream from the first translated codon. This nucleotide position is not well conserved in available vertebrate species. Since supporting evidence is limited at this time, the clinical significance of this alteration remains unclear.

NM_001134363.3(RBM20):c.-2G>T

Gene: RBM20 (RNA binding motif protein 20; plus strand). Cytogenetic location: 10q25.2.
Variant type: single nucleotide variant.
Coding change: c.-2G>T on transcript NM_001134363.3 (MANE Select); 2 bases upstream of the start codon, G replaced by T.
Molecular consequence: 5 prime UTR variant.
Genome position (GRCh38, 1-based): chr10:110,644,453, G>T. VCF-style: chr10-110644453-G-T. GRCh37 (hg19) VCF-style: chr10-112404211-G-T.
Identifiers: ClinVar variation 1798667 (VCV001798667.2), dbSNP rs1467185349, ClinGen allele CA2580081240.